The following is an entry in ClinVar:

ClinVar aggregate classification (germline): Benign/Likely benign. Review status: criteria provided, multiple submitters, no conflicts (2 of 4 stars). 4 submissions from 4 submitters: Benign (1); Likely benign (3). Last evaluated 2025-08-16.

Conditions:
Familial thoracic aortic aneurysm and aortic dissection (TAAD). Also called: Thoracic aortic aneurysms and dissections. Identifiers: Orphanet 91387, MedGen C4707243, MONDO:0019625.
Aortic aneurysm, familial thoracic 7 (AAT7). Also called: AORTIC DISSECTION, FAMILIAL, WITH OR WITHOUT AORTIC ANEURYSM. Identifiers: MedGen C3151077, MONDO:0013418, OMIM 613780.

Allele frequency attached by ClinVar (database versions not stated): gnomAD exomes 0.00003 and 0.00008; TOPMed 0.00004; gnomAD 0.00003; ExAC 0.00016.
gnomAD v4.1: 53 of 1,614,026 alleles (0.0033%); highest among the groups gnomAD compares: Non-Finnish European, 0.0044%; no homozygotes.

Submissions (4):

Labcorp Genetics (formerly Invitae), Labcorp
Classification: Likely benign for Aortic aneurysm, familial thoracic 7. Last evaluated: 2025-08-16. Review status: criteria provided, single submitter. Criteria: Invitae Variant Classification Sherloc (09022015). Collection method: clinical testing. Allele origin: germline.

Women's Health and Genetics/Laboratory Corporation of America, LabCorp
Classification: Benign. Last evaluated: 2025-07-21. Review status: criteria provided, single submitter. Criteria: LabCorp Variant Classification Summary - May 2015. Collection method: clinical testing. Allele origin: germline.

GeneDx
Classification: Likely benign. Last evaluated: 2017-12-22. Review status: criteria provided, single submitter. Criteria: GeneDx Variant Classification (06012015). Collection method: clinical testing. Allele origin: germline. Affected: yes.
Comment: This variant is considered likely benign or benign based on one or more of the following criteria: it is a conservative change, it occurs at a poorly conserved position in the protein, it is predicted to be benign by multiple in silico algorithms, and/or has population frequency not consistent with disease.

Ambry Genetics
Classification: Likely benign for Familial thoracic aortic aneurysm and aortic dissection. Last evaluated: 2015-03-11. Review status: criteria provided, single submitter. Criteria: Ambry Variant Classification Scheme 2023. Collection method: clinical testing. Allele origin: germline.

NM_053025.4(MYLK):c.4119A>G (p.Ser1373=)

Gene: MYLK (myosin light chain kinase; minus strand). Cytogenetic location: 3q21.1.
Variant type: single nucleotide variant.
Coding change: c.4119A>G on transcript NM_053025.4 (MANE Select); coding-DNA position 4119, A replaced by G.
Protein change: p.Ser1373=; no amino-acid change (serine 1373 retained).
Molecular consequence: synonymous variant.
Genome position (GRCh38, 1-based): chr3:123,657,295, T>C on the plus strand (A>G on the coding strand, the complement: MYLK is on the minus strand). VCF-style: chr3-123657295-T-C. GRCh37 (hg19) VCF-style: chr3-123376142-T-C.
Other names: c.3591A>G, p.Ser1197= (NM_001321309.2); c.3912A>G, p.Ser1304= (NM_053026.4, NM_053028.4); c.4119A>G, p.Ser1373= (NM_053027.4).
Identifiers: ClinVar variation 263932 (VCV000263932.14), dbSNP rs758896854, ClinGen allele CA070944.